The following is an entry in ClinVar:

ClinVar aggregate classification (germline): Uncertain significance. Review status: criteria provided, multiple submitters, no conflicts (2 of 4 stars). 2 submissions from 2 submitters: Uncertain significance (2). Last evaluated 2025-06-22.

Conditions:
Inborn genetic diseases. Identifiers: MedGen C0950123, MeSH D030342.

gnomAD v4.1: 81 of 1,614,070 alleles (0.005%); highest among the groups gnomAD compares: Admixed American, 0.015%; no homozygotes.

Submissions (2):

Ambry Genetics
Classification: Uncertain significance for Inborn genetic diseases. Last evaluated: 2025-06-22. Review status: criteria provided, single submitter. Criteria: Ambry Variant Classification Scheme 2023. Collection method: clinical testing. Allele origin: germline.

Mayo Clinic Laboratories, Mayo Clinic
Classification: Uncertain significance. Last evaluated: 2023-09-15. Review status: criteria provided, single submitter. Criteria: ACMG Guidelines, 2015. Collection method: clinical testing. Allele origin: germline. Observed: 1 variant allele.
Comment: PP3, PM2_moderate

NM_000290.4(PGAM2):c.635C>T (p.Thr212Met)

Genes: DBNL (drebrin like; plus strand), PGAM2 (phosphoglycerate mutase 2; minus strand). Cytogenetic location: 7p13.
Variant type: single nucleotide variant.
Coding change: c.635C>T on transcript NM_000290.4 (MANE Select); coding-DNA position 635, C replaced by T.
Protein change: p.Thr212Met; replaces threonine 212 with methionine.
Molecular consequence: missense variant. On other transcripts: 3 prime UTR variant (6).
Genome position (GRCh38, 1-based): chr7:44,062,891, G>A on the plus strand (C>T on the coding strand, the complement: PGAM2 is on the minus strand). VCF-style: chr7-44062891-G-A. GRCh37 (hg19) VCF-style: chr7-44102490-G-A.
Other names: p.Thr212Met; c.635C>T (NM_000290.3); c.*1975G>A (NM_001014436.3, NM_001122956.2, NM_001284313.2 and 3 more transcripts); short protein forms T212M.
Identifiers: ClinVar variation 3379752 (VCV003379752.2).